The following is an entry in ClinVar:

ClinVar aggregate classification (germline): Uncertain significance. Review status: criteria provided, multiple submitters, no conflicts (2 of 4 stars). 2 submissions from 2 submitters: Uncertain significance (2). Last evaluated 2025-01-13.

Conditions:
Hereditary cancer-predisposing syndrome. Also called: Neoplastic Syndromes, Hereditary; Tumor predisposition; Hereditary Cancer Syndrome; Hereditary neoplastic syndrome. Identifiers: Orphanet 140162, MedGen C0027672, MeSH D009386, MONDO:0015356.
Parathyroid carcinoma (PRTC). Also called: CDC73-Related Parathyroid Carcinoma; Parathyroid gland carcinoma. Identifiers: Orphanet 143, MedGen C0687150, MONDO:0012004, OMIM 608266, HP:0006780.

Submissions (2):

Labcorp Genetics (formerly Invitae), Labcorp
Classification: Uncertain significance for Parathyroid carcinoma. Last evaluated: 2025-01-13. Review status: criteria provided, single submitter. Criteria: Invitae Variant Classification Sherloc (09022015). Collection method: clinical testing. Allele origin: germline.
Comment: This sequence change replaces isoleucine, which is neutral and non-polar, with valine, which is neutral and non-polar, at codon 116 of the CDC73 protein (p.Ile116Val). This variant is not present in population databases (gnomAD no frequency). This variant has not been reported in the literature in individuals affected with CDC73-related conditions. ClinVar contains an entry for this variant (Variation ID: 1731713). Invitae Evidence Modeling of protein sequence and biophysical properties (such as structural, functional, and spatial information, amino acid conservation, physicochemical variation, residue mobility, and thermodynamic stability) indicates that this missense variant is not expected to disrupt CDC73 protein function with a negative predictive value of 80%. In summary, the available evidence is currently insufficient to determine the role of this variant in disease. Therefore, it has been classified as a Variant of Uncertain Significance.

Ambry Genetics
Classification: Uncertain significance for Hereditary cancer-predisposing syndrome. Last evaluated: 2022-06-13. Review status: criteria provided, single submitter. Criteria: Ambry Variant Classification Scheme 2023. Collection method: clinical testing. Allele origin: germline.
Comment: The p.I116V variant (also known as c.346A>G), located in coding exon 4 of the CDC73 gene, results from an A to G substitution at nucleotide position 346. The isoleucine at codon 116 is replaced by valine, an amino acid with highly similar properties. This amino acid position is conserved. In addition, the in silico prediction for this alteration is inconclusive. Since supporting evidence is limited at this time, the clinical significance of this alteration remains unclear.

NM_024529.5(CDC73):c.346A>G (p.Ile116Val)

Gene: CDC73 (cell division cycle 73; plus strand). Cytogenetic location: 1q31.2.
Variant type: single nucleotide variant.
Coding change: c.346A>G on transcript NM_024529.5 (MANE Select); coding-DNA position 346, A replaced by G.
Protein change: p.Ile116Val; replaces isoleucine 116 with valine.
Molecular consequence: missense variant.
Genome position (GRCh38, 1-based): chr1:193,135,429, A>G. VCF-style: chr1-193135429-A-G. GRCh37 (hg19) VCF-style: chr1-193104559-A-G.
Other names: short protein forms I116V.
Identifiers: ClinVar variation 1731713 (VCV001731713.4), dbSNP rs2527311888, ClinGen allele CA343960442.
Genomic context (GRCh38, chr1:193,135,429, plus strand): 5'-GTGAATCTTTTTATGTCTTCAGCAACATCGGCAAGTATAGACAGAAGCGCTCCCTTAGAA[A>G]TAGGTCTTCAGCGATCTACTCAAGGTATGTCTTGTTGCATATTTATATTGAACTTTCAGA-3'
Protein context (NP_078805.3, residues 106-126): ASIDRSAPLE[Ile116Val]GLQRSTQVKR